The following is an entry in ClinVar:

ClinVar aggregate classification (germline): Likely benign (1 of 4 stars; one submission).

Submission:

CeGaT Center for Human Genetics Tuebingen
Classification: Likely benign. Last evaluated: 2026-07-01. Review status: criteria provided, single submitter. Criteria: CeGaT Center For Human Genetics Tuebingen Variant Classification Criteria Version 2. Collection method: clinical testing. Allele origin: germline. Affected: yes. Observed: 1 variant allele.
Comment: COQ8B: PM2:Supporting, BP4, BP7

NM_024876.4(COQ8B):c.87T>A (p.Pro29=)

Gene: COQ8B (coenzyme Q8B; minus strand). Cytogenetic location: 19q13.2.
Variant type: single nucleotide variant.
Coding change: c.87T>A on transcript NM_024876.4 (MANE Select); coding-DNA position 87, T replaced by A.
Protein change: p.Pro29=; no amino-acid change (proline 29 retained).
Molecular consequence: synonymous variant.
Genome position (GRCh38, 1-based): chr19:40,714,546, A>T on the plus strand (T>A on the coding strand, the complement: COQ8B is on the minus strand). VCF-style: chr19-40714546-A-T. GRCh37 (hg19) VCF-style: chr19-41220451-A-T.
Other names: c.87T>A, p.Pro29= (NM_001142555.3).
Identifiers: ClinVar variation 5039107 (VCV005039107.1).